The following is an entry in ClinVar:

NM_001377.3(DYNC2H1):c.5511C>T (p.Asp1837=)

Gene: DYNC2H1 (dynein cytoplasmic 2 heavy chain 1; plus strand). Cytogenetic location: 11q22.3.
Variant type: single nucleotide variant.
Coding change: c.5511C>T on transcript NM_001377.3 (MANE Select); coding-DNA position 5511, C replaced by T.
Protein change: p.Asp1837=; no amino-acid change (aspartic acid 1837 retained).
Molecular consequence: synonymous variant.
Genome position (GRCh38, 1-based): chr11:103,173,258, C>T. VCF-style: chr11-103173258-C-T. GRCh37 (hg19) VCF-style: chr11-103043987-C-T.
Other names: c.5511C>T, p.Asp1837= (NM_001080463.2).
Identifiers: ClinVar variation 302046 (VCV000302046.15), dbSNP rs201953670, ClinGen allele CA6253777.
Genomic context (GRCh38, chr11:103,173,258, plus strand): 5'-GTCTCATCCAGACAATGAGCTTATTGCAGAAGTTATTCTCTATTCGGAAGGCTTTAAAGA[C>T]GCTAAAGTATTGAGCAGAAAATTGGTAGCTATTTTCAATCTATCTAGGTGAGTTTTCTTG-3'
Protein context (NP_001368.2, residues 1827-1847): EVILYSEGFK[Asp1837=]AKVLSRKLVA

ClinVar aggregate classification (germline): Conflicting classifications of pathogenicity. Review status: criteria provided, conflicting classifications (1 of 4 stars). 4 submissions from 4 submitters: Uncertain significance (1); Likely benign (3). Last evaluated 2025-10-09.

Conditions:
Jeune thoracic dystrophy. Also called: Short-rib thoracic dysplasia; Jeune syndrome; Infantile thoracic dystrophy; Thoracic pelvic phalangeal dystrophy; Jeune's syndrome; Chondroectodermal dysplasia-like syndrome. Identifiers: Orphanet 474, MedGen C0265275, MONDO:0018770.
Asphyxiating thoracic dystrophy 3. Also called: POLYDACTYLY WITH NEONATAL CHONDRODYSTROPHY, TYPE I; SHORT-RIB THORACIC DYSPLASIA 3 WITH OR WITHOUT POLYDACTYLY; SHORT-RIB THORACIC DYSPLASIA 3/6 WITH POLYDACTYLY, DIGENIC; Short rib polydactyly syndrome 2B; Saldino-Noonan Syndrome. Identifiers: Orphanet 474, Orphanet 93269, Orphanet 93270, Orphanet 93271, MedGen C0036069, MONDO:0013127, OMIM 613091.
DYNC2H1-related disorder. Also called: DYNC2H1-related condition; DYNC2H1-related disorders. Identifiers: MedGen CN378770.

Allele frequency attached by ClinVar (database versions not stated): ExAC 0.00028; gnomAD exomes 0.00028; TOPMed 0.00036; gnomAD 0.00037 and 0.00038; ESP Exome Variant Server 0.00051.
gnomAD v4.1: 916 of 1,593,782 alleles (0.057%); highest among the groups gnomAD compares: Non-Finnish European, 0.073%; no homozygotes.

Submissions (4):

Labcorp Genetics (formerly Invitae), Labcorp
Classification: Likely benign for Jeune thoracic dystrophy. Last evaluated: 2025-10-09. Review status: criteria provided, single submitter. Criteria: Invitae Variant Classification Sherloc (09022015). Collection method: clinical testing. Allele origin: germline.

PreventionGenetics, part of Exact Sciences
Classification: Likely benign for DYNC2H1-related condition. Last evaluated: 2025-03-30. Review status: criteria provided, single submitter. Criteria: ACMG Guidelines, 2015. Collection method: clinical testing. Allele origin: germline.
Comment: This variant is classified as likely benign based on ACMG/AMP sequence variant interpretation guidelines (Richards et al. 2015 PMID: 25741868, with internal and published modifications).

Blueprint Genetics
Classification: Likely benign. Last evaluated: 2024-11-22. Review status: criteria provided, single submitter. Criteria: ACMG Guidelines, 2015. Collection method: clinical testing. Allele origin: germline.

Illumina Laboratory Services, Illumina
Classification: Uncertain significance for Asphyxiating thoracic dystrophy 3. Last evaluated: 2018-01-13. Review status: criteria provided, single submitter. Criteria: ICSL Variant Classification Criteria 13 December 2019. Collection method: clinical testing. Allele origin: germline.